The following is an entry in ClinVar:

NM_152631.3(FAM47B):c.1617T>C (p.Tyr539=)

Gene: FAM47B (family with sequence similarity 47 member B; plus strand). Cytogenetic location: Xp21.1.
Variant type: single nucleotide variant.
Coding change: c.1617T>C on transcript NM_152631.3 (MANE Select); coding-DNA position 1617, T replaced by C.
Protein change: p.Tyr539=; no amino-acid change (tyrosine 539 retained).
Molecular consequence: synonymous variant.
Genome position (GRCh38, 1-based): chrX:34,944,448, T>C. VCF-style: chrX-34944448-T-C. GRCh37 (hg19) VCF-style: chrX-34962565-T-C.
Identifiers: ClinVar variation 3041253 (VCV003041253.2), dbSNP rs754728275, ClinGen allele CA10381143.

ClinVar aggregate classification (germline): Likely benign (0 of 4 stars; one submission).

Conditions:
FAM47B-related disorder. Also called: FAM47B-related condition.

Allele frequency attached by ClinVar (database versions not stated): ExAC 0.00001; TOPMed 0.00001.
gnomAD v4.1: 6 of 1,211,896 alleles (0.0005%); highest among the groups gnomAD compares: African/African-American, 0.0035%; no homozygotes.

Submission:

PreventionGenetics, part of Exact Sciences
Classification: Likely benign for FAM47B-related condition. Last evaluated: 2019-05-10. Review status: no assertion criteria provided. Collection method: clinical testing. Allele origin: germline.
Comment: This variant is classified as likely benign based on ACMG/AMP sequence variant interpretation guidelines (Richards et al. 2015 PMID: 25741868, with internal and published modifications).